The following is an entry in ClinVar:

NM_152564.5(VPS13B):c.10675A>T (p.Lys3559Ter)

Gene: VPS13B (vacuolar protein sorting 13 homolog B; plus strand). Cytogenetic location: 8q22.2.
Variant type: single nucleotide variant.
Coding change: c.10675A>T on transcript NM_152564.5 (MANE Select); coding-DNA position 10675, A replaced by T.
Protein change: p.Lys3559Ter; replaces lysine 3559 with a stop codon.
Molecular consequence: nonsense.
Genome position (GRCh38, 1-based): chr8:99,854,064, A>T. VCF-style: chr8-99854064-A-T. GRCh37 (hg19) VCF-style: chr8-100866292-A-T.
Other names: c.10750A>T, p.Lys3584Ter (NM_017890.5); short protein forms K3559*, K3584*.
Identifiers: ClinVar variation 1724574 (VCV001724574.2), dbSNP rs2492240037, ClinGen allele CA371785145.

ClinVar aggregate classification (germline): Likely pathogenic (1 of 4 stars; one submission).

Conditions:
Cohen syndrome (COH1). Also called: PEPPER SYNDROME; Cutis verticis gyrata, retinitis pigmentosa, and sensorineural deafness. Identifiers: Orphanet 193, MedGen C0265223, MONDO:0008999, OMIM 216550.

Submission:

Myriad Genetics, Inc.
Classification: Likely pathogenic for Cohen syndrome. Last evaluated: 2022-02-20. Review status: criteria provided, single submitter. Criteria: Myriad Women's Health Autosomal Recessive and X-Linked Classification Criteria (2021). Collection method: clinical testing. Allele origin: unknown.
Comment: NM_017890.4(VPS13B):c.10750A>T(K3584*) is expected to be pathogenic in the context of Cohen syndrome. This variant is predicted to lead to an abnormal or absent protein product due to the creation of a premature termination codon in VPS13B, a gene where loss-of-function variants are known to be pathogenic. Please note: this variant was assessed in the context of healthy population screening.